The following is an entry in ClinVar:

ClinVar aggregate classification (germline): Conflicting classifications of pathogenicity. Review status: criteria provided, conflicting classifications (1 of 4 stars). 5 submissions from 5 submitters: Uncertain significance (2); Likely benign (2). 1 of the submissions does not count toward it. Last evaluated 2025-09-03.

Conditions:
PROP1-related disorder. Also called: PROP1-related condition.
Inborn genetic diseases. Identifiers: MedGen C0950123, MeSH D030342.
Pituitary hormone deficiency, combined, 2. Also called: PITUITARY DWARFISM III; ATELIOTIC DWARFISM WITH HYPOGONADISM; HANHART DWARFISM; PROP1-Related Combined Pituitary Hormone Deficiency. Identifiers: MedGen C0878683, MONDO:0009878, OMIM 262600.

Allele frequency attached by ClinVar (database versions not stated): gnomAD exomes 0.00003 and 0.00010; ExAC 0.00009; ESP Exome Variant Server 0.00015; 1000 Genomes Project 30x 0.00016; gnomAD 0.00016 and 0.00018; TOPMed 0.00018; 1000 Genomes Project 0.00020.
gnomAD v4.1: 74 of 1,613,948 alleles (0.0046%); highest among the groups gnomAD compares: African/African-American, 0.049%; 2 homozygotes.

Submissions (5):

PreventionGenetics, part of Exact Sciences
Classification: Uncertain significance for PROP1-related condition. Last evaluated: 2025-09-03. Review status: criteria provided, single submitter. Criteria: ACMG Guidelines, 2015. Collection method: clinical testing. Allele origin: germline.
Comment: The PROP1 c.385C>T variant is predicted to result in the amino acid substitution p.Arg129Cys. To our knowledge, this variant has not been reported in the literature. This variant is reported in 0.052% of alleles in individuals of African descent in gnomAD. Although we suspect that this variant may be benign, at this time, the clinical significance of this variant is uncertain due to the absence of conclusive functional and genetic evidence.

Ambry Genetics
Classification: Uncertain significance for Inborn genetic diseases. Last evaluated: 2025-04-25. Review status: criteria provided, single submitter. Criteria: Ambry Variant Classification Scheme 2023. Collection method: clinical testing. Allele origin: germline.

Labcorp Genetics (formerly Invitae), Labcorp
Classification: Likely benign. Last evaluated: 2024-03-16. Review status: criteria provided, single submitter. Criteria: Invitae Variant Classification Sherloc (09022015). Collection method: clinical testing. Allele origin: germline.

Breakthrough Genomics
Classification: Likely benign. Review status: criteria provided, single submitter. Criteria: ACMG Guidelines, 2015. Collection method: not provided. Allele origin: germline. Inheritance: Autosomal recessive inheritance. Affected: yes.

Natera, Inc.
Classification: Likely benign for Combined pituitary hormone deficiency type 2. Last evaluated: 2020-03-29. Review status: no assertion criteria provided. Collection method: clinical testing. Allele origin: germline. Not counted in ClinVar's aggregate classification.

NM_006261.5(PROP1):c.385C>T (p.Arg129Cys)

Gene: PROP1 (PROP paired-like homeobox 1; minus strand). Cytogenetic location: 5q35.3.
Variant type: single nucleotide variant.
Coding change: c.385C>T on transcript NM_006261.5 (MANE Select); coding-DNA position 385, C replaced by T.
Protein change: p.Arg129Cys; replaces arginine 129 with cysteine.
Molecular consequence: missense variant.
Genome position (GRCh38, 1-based): chr5:177,993,005, G>A on the plus strand (C>T on the coding strand, the complement: PROP1 is on the minus strand). VCF-style: chr5-177993005-G-A. GRCh37 (hg19) VCF-style: chr5-177420006-G-A.
Other names: short protein forms R129C.
Identifiers: ClinVar variation 764481 (VCV000764481.15), dbSNP rs140207251, ClinGen allele CA3587530.
Genomic context (GRCh38, chr5:177,993,005, plus strand): 5'-CTGGCAAGAAGCTGGAAAAGGCGGCAGGAGACAGATGGGCCAGAGGCTGAAGCAGTGAGC[G>A]CTCTTGCTTCCGTTGCTTAGCTCTGCGGTTCTGGAACCAGACCTGAGAAGGGGTAGGAAC-3'
Protein context (NP_006252.4, residues 119-139): NRRAKQRKQE[Arg129Cys]SLLQPLAHLS